The following is an entry in ClinVar:

ClinVar aggregate classification (germline): Uncertain significance (1 of 4 stars; one submission).

gnomAD v4.1: 3 of 1,614,168 alleles (0.00019%); highest among the groups gnomAD compares: East Asian, 0.0022%; no homozygotes.

Submission:

Labcorp Genetics (formerly Invitae), Labcorp
Classification: Uncertain significance. Last evaluated: 2025-02-17. Review status: criteria provided, single submitter. Criteria: Invitae Variant Classification Sherloc (09022015). Collection method: clinical testing. Allele origin: germline.
Comment: This sequence change replaces tyrosine, which is neutral and polar, with cysteine, which is neutral and slightly polar, at codon 394 of the ALB protein (p.Tyr394Cys). This variant is not present in population databases (gnomAD no frequency). This variant has not been reported in the literature in individuals affected with ALB-related conditions. Invitae Evidence Modeling of protein sequence and biophysical properties (such as structural, functional, and spatial information, amino acid conservation, physicochemical variation, residue mobility, and thermodynamic stability) indicates that this missense variant is expected to disrupt ALB protein function with a positive predictive value of 80%. In summary, the available evidence is currently insufficient to determine the role of this variant in disease. Therefore, it has been classified as a Variant of Uncertain Significance.

NM_000477.7(ALB):c.1181A>G (p.Tyr394Cys)

Gene: ALB (albumin; plus strand). Cytogenetic location: 4q13.3.
Variant type: single nucleotide variant.
Coding change: c.1181A>G on transcript NM_000477.7 (MANE Select); coding-DNA position 1181, A replaced by G.
Protein change: p.Tyr394Cys; replaces tyrosine 394 with cysteine.
Molecular consequence: missense variant.
Genome position (GRCh38, 1-based): chr4:73,415,157, A>G. VCF-style: chr4-73415157-A-G. GRCh37 (hg19) VCF-style: chr4-74280874-A-G.
Other names: short protein forms Y394C.
Identifiers: ClinVar variation 3610406 (VCV003610406.2).